The following is an entry in ClinVar:

NM_173076.3(ABCA12):c.1783-1G>A

Gene: ABCA12 (ATP binding cassette subfamily A member 12; minus strand). Cytogenetic location: 2q35.
Variant type: single nucleotide variant.
Coding change: c.1783-1G>A on transcript NM_173076.3 (MANE Select); the canonical splice acceptor site of the intron before coding-DNA position 1783, G replaced by A.
Molecular consequence: splice acceptor variant.
Genome position (GRCh38, 1-based): chr2:215,015,664, C>T on the plus strand (G>A on the coding strand, the complement: ABCA12 is on the minus strand). VCF-style: chr2-215015664-C-T. GRCh37 (hg19) VCF-style: chr2-215880388-C-T.
Other names: c.829-1G>A (NM_015657.4).
Identifiers: ClinVar variation 4733106 (VCV004733106.1).
Genomic context (GRCh38, chr2:215,015,664, plus strand): 5'-TAGTTTGGGAGTGGTGATATTAGTATCACAGGAATGCAGCCAGAACACCTGAGAAATAAT[C>T]TGCAAATGGAGGAAGAAAAATATTTCAACTGTGAATCATTCGAGAGTCAACTGTTCATTT-3'

ClinVar aggregate classification (germline): Likely pathogenic (1 of 4 stars; one submission).

Submission:

Labcorp Genetics (formerly Invitae), Labcorp
Classification: Likely pathogenic. Last evaluated: 2025-12-13. Review status: criteria provided, single submitter. Criteria: Invitae Variant Classification Sherloc (09022015). Collection method: clinical testing. Allele origin: germline.
Comment: This sequence change affects an acceptor splice site in intron 14 of the ABCA12 gene. It is expected to disrupt RNA splicing. Variants that disrupt the donor or acceptor splice site typically lead to a loss of protein function (PMID: 16199547), and loss-of-function variants in ABCA12 are known to be pathogenic (PMID: 20672373). This variant is not present in population databases (gnomAD no frequency). This variant has not been reported in the literature in individuals affected with ABCA12-related conditions. Algorithms developed to predict the effect of sequence changes on RNA splicing suggest that this variant may disrupt the consensus splice site. In summary, the currently available evidence indicates that the variant is pathogenic, but additional data are needed to prove that conclusively. Therefore, this variant has been classified as Likely Pathogenic.

Literature cited by the submitters: PubMed 16199547; PubMed 20672373.